The following is an entry in ClinVar:

NM_016341.4(PLCE1):c.6404A>G (p.Glu2135Gly)

Genes: PLCE1 (phospholipase C epsilon 1; plus strand), NOC3L (NOC3 like DNA replication regulator; minus strand). Cytogenetic location: 10q23.33.
Variant type: single nucleotide variant.
Coding change: c.6404A>G on transcript NM_016341.4 (MANE Select); coding-DNA position 6404, A replaced by G.
Protein change: p.Glu2135Gly; replaces glutamic acid 2135 with glycine.
Molecular consequence: missense variant.
Genome position (GRCh38, 1-based): chr10:94,321,962, A>G. VCF-style: chr10-94321962-A-G. GRCh37 (hg19) VCF-style: chr10-96081719-A-G.
Other names: c.5480A>G, p.Glu1827Gly (NM_001165979.2); c.6356A>G, p.Glu2119Gly (NM_001288989.2); c.6404A>G (NM_016341.3); short protein forms E1827G, E2119G, E2135G.
Identifiers: ClinVar variation 2907556 (VCV002907556.6), dbSNP rs758237098, ClinGen allele CA5613577.
Genomic context (GRCh38, chr10:94,321,962, plus strand): 5'-ACCTAGAAGAGAAAAACATTGTTCAAGATGACAAAGAGGTGATCTTGAGCTCAGAGGAGG[A>G]GAGTTTCTTTGTCCAAGTGCATGATGTTTCTCCAGAGCAACCTCGAACAGTCATCAAAGC-3'
Protein context (NP_057425.3, residues 2125-2145): DKEVILSSEE[Glu2135Gly]SFFVQVHDVS

ClinVar aggregate classification (germline): Uncertain significance. Review status: criteria provided, multiple submitters, no conflicts (2 of 4 stars). 4 submissions from 4 submitters: Uncertain significance (4). Last evaluated 2025-01-18.

Conditions:
Inborn genetic diseases. Identifiers: MedGen C0950123, MeSH D030342.
Nephrotic syndrome, type 3 (NPHS3). Also called: NEPHROTIC SYNDROME, EARLY-ONSET, TYPE 3. Identifiers: Orphanet 656, MedGen C1853124, MONDO:0012546, OMIM 610725.

Allele frequency attached by ClinVar (database versions not stated): gnomAD exomes below 0.00001; ExAC 0.00001; TOPMed 0.00004.
gnomAD v4.1: 5 of 1,613,730 alleles (0.00031%); highest among the groups gnomAD compares: Admixed American, 0.0067%; no homozygotes.

Submissions (4):

Ambry Genetics
Classification: Uncertain significance for Inborn genetic diseases. Last evaluated: 2025-01-18. Review status: criteria provided, single submitter. Criteria: Ambry Variant Classification Scheme 2023. Collection method: clinical testing. Allele origin: germline.

GeneDx
Classification: Uncertain significance. Last evaluated: 2024-11-05. Review status: criteria provided, single submitter. Criteria: GeneDx Variant Classification Process June 2021. Collection method: clinical testing. Allele origin: germline. Affected: yes.
Comment: Not observed at significant frequency in large population cohorts (gnomAD); In silico analysis indicates that this missense variant does not alter protein structure/function; Has not been previously published as pathogenic or benign to our knowledge

Fulgent Genetics
Classification: Uncertain significance for Nephrotic syndrome, type 3. Last evaluated: 2024-06-04. Review status: criteria provided, single submitter. Criteria: ACMG Guidelines, 2015. Collection method: clinical testing. Allele origin: germline.

Labcorp Genetics (formerly Invitae), Labcorp
Classification: Uncertain significance. Last evaluated: 2023-01-30. Review status: criteria provided, single submitter. Criteria: Invitae Variant Classification Sherloc (09022015). Collection method: clinical testing. Allele origin: germline.
Comment: This sequence change replaces glutamic acid, which is acidic and polar, with glycine, which is neutral and non-polar, at codon 2135 of the PLCE1 protein (p.Glu2135Gly). In summary, the available evidence is currently insufficient to determine the role of this variant in disease. Therefore, it has been classified as a Variant of Uncertain Significance. Advanced modeling of protein sequence and biophysical properties (such as structural, functional, and spatial information, amino acid conservation, physicochemical variation, residue mobility, and thermodynamic stability) performed at Invitae indicates that this missense variant is not expected to disrupt PLCE1 protein function. This variant has not been reported in the literature in individuals affected with PLCE1-related conditions. This variant is present in population databases (rs758237098, gnomAD 0.003%).